The following is an entry in ClinVar:

NM_000059.4(BRCA2):c.3805GTT[1] (p.Val1270del)

Gene: BRCA2 (BRCA2 DNA repair associated; plus strand). Cytogenetic location: 13q13.1.
Variant type: Microsatellite.
Coding change: c.3805GTT[1] on transcript NM_000059.4 (MANE Select); one copy of the 3-base unit GTT starting at c.3805; the reference has two copies in a row; one copy, 3 bases deleted.
Protein change: p.Val1270del; deletes valine 1270.
Molecular consequence: inframe deletion.
Genome position (GRCh38, 1-based): chr13:32,338,163-32,338,165, GTT deleted; deleting any 3 consecutive bases within chr13:32,338,159-32,338,165 gives the same sequence; the position shown is the placement nearest the transcript's 3' end. VCF-style (leftmost placement, unchanged base first): chr13-32338158-CTGT-C. GRCh37 (hg19) VCF-style: chr13-32912295-CTGT-C.
Other names: 4036del3; c.3808_3810delGTT (NM_000059.3); short protein forms V1270del.
Identifiers: ClinVar variation 37858 (VCV000037858.17), dbSNP rs397507316, ClinGen allele CA018850.
Genomic context (GRCh38, chr13:32,338,158, plus strand): 5'-GTGAGGAAACTTCTGCAGAGGTACATCCAATAAGTTTATCTTCAAGTAAATGTCATGATT[CTGT>C]TGTTTCAATGTTTAAGATAGAAAATCATAATGATAAAACTGTAAGTGAAAAAAATAATAA-3'

ClinVar aggregate classification (germline): Uncertain significance. Review status: criteria provided, multiple submitters, no conflicts (2 of 4 stars). 3 submissions from 3 submitters: Uncertain significance (2). 1 of the submissions does not count toward it. Last evaluated 2025-10-24.

Conditions:
Hereditary cancer-predisposing syndrome. Also called: Tumor predisposition; Neoplastic Syndromes, Hereditary; Hereditary neoplastic syndrome; Hereditary Cancer Syndrome. Identifiers: Orphanet 140162, MedGen C0027672, MeSH D009386, MONDO:0015356.
Hereditary breast ovarian cancer syndrome. Also called: Hereditary breast and ovarian cancer; Hereditary breast and ovarian cancer syndrome (HBOC); Hereditary breast and/or ovarian cancer syndrome; Breast and ovarian cancer; Hereditary breast and ovarian cancer syndrome; BRCA1- and BRCA2-Associated Hereditary Breast and Ovarian Cancer. Identifiers: Orphanet 145, MedGen C0677776, MeSH D061325, MONDO:0003582. Disease mechanism: loss of function.
Breast-ovarian cancer, familial, susceptibility to, 2 (BROVCA2). Also called: BRCA2 Hereditary Breast and Ovarian Cancer. Identifiers: Orphanet 145, MedGen C2675520, MONDO:0012933, OMIM 612555. Disease mechanism: loss of function.

Submissions (3):

Ambry Genetics
Classification: Uncertain significance for Hereditary cancer-predisposing syndrome. Last evaluated: 2025-10-24. Review status: criteria provided, single submitter. Criteria: Ambry Variant Classification Scheme 2023. Collection method: clinical testing. Allele origin: germline.
Comment: The c.3808_3810delGTT variant (also known as p.V1270del) is located in coding exon 10 of the BRCA2 gene. This variant results from an in-frame GTT deletion at nucleotide positions 3808 to 3810. This results in the in-frame deletion of a valine at codon 1270. This amino acid position is well conserved in available vertebrate species. In addition, this alteration is predicted to be deleterious by in silico analysis (Choi Y et al. PLoS ONE. 2012; 7(10):e46688). Based on the available evidence, the clinical significance of this variant remains unclear.

Labcorp Genetics (formerly Invitae), Labcorp
Classification: Uncertain significance for Hereditary breast ovarian cancer syndrome. Last evaluated: 2023-09-08. Review status: criteria provided, single submitter. Criteria: Invitae Variant Classification Sherloc (09022015). Collection method: clinical testing. Allele origin: germline.
Comment: Experimental studies and prediction algorithms are not available or were not evaluated, and the functional significance of this variant is currently unknown. This variant, c.3808_3810del, results in the deletion of 1 amino acid(s) of the BRCA2 protein (p.Val1270del), but otherwise preserves the integrity of the reading frame. This variant is not present in population databases (gnomAD no frequency). This variant has not been reported in the literature in individuals affected with BRCA2-related conditions. ClinVar contains an entry for this variant (Variation ID: 37858). In summary, the available evidence is currently insufficient to determine the role of this variant in disease. Therefore, it has been classified as a Variant of Uncertain Significance.

Sharing Clinical Reports Project (SCRP)
Classification: Uncertain significance for Breast-ovarian cancer, familial 2. Last evaluated: 2010-02-19. Review status: no assertion criteria provided. Collection method: clinical testing. Allele origin: germline. Not counted in ClinVar's aggregate classification.